The following is an entry in ClinVar:

ClinVar aggregate classification (germline): Uncertain significance (1 of 4 stars; one submission).

Conditions:
Dyskeratosis congenita. Identifiers: Orphanet 1775, MedGen C0265965, MONDO:0015780.

Submission:

Labcorp Genetics (formerly Invitae), Labcorp
Classification: Uncertain significance for Dyskeratosis congenita. Last evaluated: 2022-04-01. Review status: criteria provided, single submitter. Criteria: Invitae Variant Classification Sherloc (09022015). Collection method: clinical testing. Allele origin: germline.
Comment: This sequence change replaces leucine, which is neutral and non-polar, with phenylalanine, which is neutral and non-polar, at codon 955 of the CTC1 protein (p.Leu955Phe). This variant is not present in population databases (gnomAD no frequency). This variant has not been reported in the literature in individuals affected with CTC1-related conditions. Algorithms developed to predict the effect of missense changes on protein structure and function (SIFT, PolyPhen-2, Align-GVGD) all suggest that this variant is likely to be tolerated. Algorithms developed to predict the effect of sequence changes on RNA splicing suggest that this variant may create or strengthen a splice site. In summary, the available evidence is currently insufficient to determine the role of this variant in disease. Therefore, it has been classified as a Variant of Uncertain Significance.

NM_025099.6(CTC1):c.2865G>T (p.Leu955Phe)

Gene: CTC1 (CST telomere replication complex component 1; minus strand). Cytogenetic location: 17p13.1.
Variant type: single nucleotide variant.
Coding change: c.2865G>T on transcript NM_025099.6 (MANE Select); coding-DNA position 2865, G replaced by T.
Protein change: p.Leu955Phe; replaces leucine 955 with phenylalanine.
Molecular consequence: missense variant. On other transcripts: non-coding transcript variant (1).
Genome position (GRCh38, 1-based): chr17:8,230,362, C>A on the plus strand (G>T on the coding strand, the complement: CTC1 is on the minus strand). VCF-style: chr17-8230362-C-A. GRCh37 (hg19) VCF-style: chr17-8133680-C-A.
Other names: c.2865G>T, p.Leu955Phe (NM_001411067.1); short protein forms L955F.
Identifiers: ClinVar variation 2120564 (VCV002120564.4), dbSNP rs2507881109, ClinGen allele CA397974046.